The following is an entry in ClinVar:

ClinVar aggregate classification (germline): Uncertain significance (1 of 4 stars; one submission).

Conditions:
Hajdu-Cheney syndrome (HJCYS). Also called: ACROOSTEOLYSIS WITH OSTEOPOROSIS AND CHANGES IN SKULL AND MANDIBLE; Acroosteolysis dominant type; SERPENTINE FIBULA-POLYCYSTIC KIDNEY SYNDROME. Identifiers: Orphanet 955, MedGen C0917715, MONDO:0007057, OMIM 102500.

Allele frequency attached by ClinVar (database versions not stated): TOPMed below 0.00001; gnomAD 0.00001.
gnomAD v4.1: 11 of 1,614,024 alleles (0.00068%); highest among the groups gnomAD compares: Non-Finnish European, 0.00093%; no homozygotes.

Submission:

Labcorp Genetics (formerly Invitae), Labcorp
Classification: Uncertain significance for Hajdu-Cheney syndrome. Last evaluated: 2025-11-27. Review status: criteria provided, single submitter. Criteria: Invitae Variant Classification Sherloc (09022015). Collection method: clinical testing. Allele origin: germline.
Comment: This sequence change replaces asparagine, which is neutral and polar, with lysine, which is basic and polar, at codon 1541 of the NOTCH2 protein (p.Asn1541Lys). This variant is not present in population databases (gnomAD no frequency). This variant has not been reported in the literature in individuals affected with NOTCH2-related conditions. ClinVar contains an entry for this variant (Variation ID: 2879118). Invitae Evidence Modeling of protein sequence and biophysical properties (such as structural, functional, and spatial information, amino acid conservation, physicochemical variation, residue mobility, and thermodynamic stability) indicates that this missense variant is not expected to disrupt NOTCH2 protein function with a negative predictive value of 80%. In summary, the available evidence is currently insufficient to determine the role of this variant in disease. Therefore, it has been classified as a Variant of Uncertain Significance.

NM_024408.4(NOTCH2):c.4623C>A (p.Asn1541Lys)

Gene: NOTCH2 (notch receptor 2; minus strand). Cytogenetic location: 1p12.
Variant type: single nucleotide variant.
Coding change: c.4623C>A on transcript NM_024408.4 (MANE Select); coding-DNA position 4623, C replaced by A.
Protein change: p.Asn1541Lys; replaces asparagine 1541 with lysine.
Molecular consequence: missense variant.
Genome position (GRCh38, 1-based): chr1:119,923,873, G>T on the plus strand (C>A on the coding strand, the complement: NOTCH2 is on the minus strand). VCF-style: chr1-119923873-G-T. GRCh37 (hg19) VCF-style: chr1-120466496-G-T.
Other names: short protein forms N1541K.
Identifiers: ClinVar variation 2879118 (VCV002879118.3), dbSNP rs1371441403, ClinGen allele CA341889015.